The following is an entry in ClinVar:

NM_000054.7(AVPR2):c.529_531del (p.Ile177del)

Gene: AVPR2 (arginine vasopressin receptor 2; plus strand). Cytogenetic location: Xq28.
Variant type: Deletion.
Coding change: c.529_531del on transcript NM_000054.7 (MANE Select); coding-DNA positions 529 to 531, 3 bases deleted (ATC; older notation c.529_531delATC).
Protein change: p.Ile177del; deletes isoleucine 177.
Molecular consequence: non-coding transcript variant (on NR_027419.2).
Genome position (GRCh38, 1-based): chrX:153,906,035-153,906,037, ATC deleted; deleting any 3 consecutive bases within chrX:153,906,033-153,906,037 gives the same sequence; the c. name uses the placement nearest the transcript's 3' end. VCF-style (leftmost placement, unchanged base first): chrX-153906032-TTCA-T. GRCh37 (hg19) VCF-style: chrX-153171486-TTCA-T.
Other names: c.529_531del, p.Ile177del (NM_001146151.3); short protein forms I177del.
Identifiers: ClinVar variation 4076965 (VCV004076965.1).
Genomic context (GRCh38, chrX:153,906,032, plus strand): 5'-TGGAACCGGCCGGTGCTAGTGGCTTGGGCCTTCTCGCTCCTTCTCAGCCTGCCCCAGCTC[TTCA>T]TCTTCGCCCAGCGCAACGTGGAAGGTGGCAGCGGGGTCACTGACTGCTGGGCCTGCTTTG-3'

ClinVar aggregate classification (germline): Uncertain significance (1 of 4 stars; one submission).

Conditions:
Diabetes insipidus, nephrogenic, X-linked. Also called: Nephrogenic Diabetes Insipidus, Type I. Identifiers: Orphanet 223, MedGen C1563705, MONDO:0010581, OMIM 304800.

Submission:

Pediatrics, West China Second University Hospital, Sichuan University
Classification: Uncertain significance for Diabetes insipidus, nephrogenic, X-linked. Last evaluated: 2025-08-20. Review status: criteria provided, single submitter. Criteria: ACMG Guidelines, 2015. Collection method: clinical testing. Allele origin: germline. Affected: yes.
Comment: The NM_000054.7, c.529_531del, is a three nucleotide deletion at position from 529 to 531 in AVPR2 which is predicted to result in a non-frameshift deletion at position 177 of the AVPR2 protein (PM4). This variant was found in a proband with diabetes insipidus, nephrogenic, which is a highly specific phenotype for nephrogenic diabetes insipidus (PP4). The variant is absent from the gnomAD population database (PM2_Supporting). In summary, this variant meets criteria to be classified as uncertain significance (VUS) for diabetes insipidus, nephrogenic based on the ACMG/AMP criteria applied with the evidence: PM4, PM2_Supporting, PP4.